The following is an entry in ClinVar:

NM_005045.4(RELN):c.3803C>A (p.Thr1268Asn)

Gene: RELN (reelin; minus strand). Cytogenetic location: 7q22.1.
Variant type: single nucleotide variant.
Coding change: c.3803C>A on transcript NM_005045.4 (MANE Select); coding-DNA position 3803, C replaced by A.
Protein change: p.Thr1268Asn; replaces threonine 1268 with asparagine.
Molecular consequence: missense variant.
Genome position (GRCh38, 1-based): chr7:103,593,791, G>T on the plus strand (C>A on the coding strand, the complement: RELN is on the minus strand). VCF-style: chr7-103593791-G-T. GRCh37 (hg19) VCF-style: chr7-103234238-G-T.
Other names: c.3803C>A, p.Thr1268Asn (NM_173054.3); short protein forms T1268N.
Identifiers: ClinVar variation 1435499 (VCV001435499.8), dbSNP rs2117248784, ClinGen allele CA368757356.

ClinVar aggregate classification (germline): Uncertain significance (1 of 4 stars; one submission).

Conditions:
Familial temporal lobe epilepsy 7. Identifiers: Orphanet 101046, MedGen C4225327, MONDO:0014639, OMIM 616436.
Norman-Roberts syndrome (LIS2). Also called: Lissencephaly 2 (Norman-Roberts type). Identifiers: Orphanet 89844, MedGen C0796089, MONDO:0009760, OMIM 257320.

Submission:

Labcorp Genetics (formerly Invitae), Labcorp
Classification: Uncertain significance for Familial temporal lobe epilepsy 7; Norman-Roberts syndrome. Last evaluated: 2024-07-30. Review status: criteria provided, single submitter. Criteria: Invitae Variant Classification Sherloc (09022015). Collection method: clinical testing. Allele origin: germline.
Comment: This sequence change replaces threonine, which is neutral and polar, with asparagine, which is neutral and polar, at codon 1268 of the RELN protein (p.Thr1268Asn). This variant is not present in population databases (gnomAD no frequency). This variant has not been reported in the literature in individuals affected with RELN-related conditions. ClinVar contains an entry for this variant (Variation ID: 1435499). Advanced modeling of protein sequence and biophysical properties (such as structural, functional, and spatial information, amino acid conservation, physicochemical variation, residue mobility, and thermodynamic stability) performed at Invitae indicates that this missense variant is not expected to disrupt RELN protein function with a negative predictive value of 80%. In summary, the available evidence is currently insufficient to determine the role of this variant in disease. Therefore, it has been classified as a Variant of Uncertain Significance.